The following is an entry in ClinVar:

ClinVar aggregate classification (germline): Uncertain significance (1 of 4 stars; one submission).

Submission:

GeneDx
Classification: Uncertain significance. Last evaluated: 2023-11-28. Review status: criteria provided, single submitter. Criteria: GeneDx Variant Classification Process June 2021. Collection method: clinical testing. Allele origin: germline. Affected: yes.
Comment: In silico analysis supports that this missense variant has a deleterious effect on protein structure/function; Has not been previously published as pathogenic or benign to our knowledge

NM_138615.3(DHX30):c.2308T>C (p.Trp770Arg)

Gene: DHX30 (DExH-box helicase 30; plus strand). Cytogenetic location: 3p21.31.
Variant type: single nucleotide variant.
Coding change: c.2308T>C on transcript NM_138615.3 (MANE Select); coding-DNA position 2308, T replaced by C.
Protein change: p.Trp770Arg; replaces tryptophan 770 with arginine.
Molecular consequence: missense variant.
Genome position (GRCh38, 1-based): chr3:47,848,201, T>C. VCF-style: chr3-47848201-T-C. GRCh37 (hg19) VCF-style: chr3-47889691-T-C.
Other names: c.2224T>C, p.Trp742Arg (NM_001330990.2); c.2191T>C, p.Trp731Arg (NM_014966.4); short protein forms W731R, W742R, W770R.
Identifiers: ClinVar variation 3364994 (VCV003364994.1).